The following is an entry in ClinVar:

ClinVar aggregate classification (germline): Uncertain significance (1 of 4 stars; one submission).

gnomAD v4.1: 3 of 1,613,930 alleles (0.00019%); highest among the groups gnomAD compares: Non-Finnish European, 0.00017%; no homozygotes.

Submission:

Labcorp Genetics (formerly Invitae), Labcorp
Classification: Uncertain significance. Last evaluated: 2021-06-24. Review status: criteria provided, single submitter. Criteria: Invitae Variant Classification Sherloc (09022015). Collection method: clinical testing. Allele origin: germline.
Comment: This sequence change replaces proline with threonine at codon 1035 of the DMXL2 protein (p.Pro1035Thr). The proline residue is weakly conserved and there is a small physicochemical difference between proline and threonine. This variant is not present in population databases (ExAC no frequency). This variant has not been reported in the literature in individuals with DMXL2-related conditions. Algorithms developed to predict the effect of missense changes on protein structure and function (SIFT, PolyPhen-2, Align-GVGD) all suggest that this variant is likely to be tolerated, but these predictions have not been confirmed by published functional studies and their clinical significance is uncertain. In summary, the available evidence is currently insufficient to determine the role of this variant in disease. Therefore, it has been classified as a Variant of Uncertain Significance.

NM_001378457.1(DMXL2):c.3103C>A (p.Pro1035Thr)

Gene: DMXL2 (Dmx like 2; minus strand). Cytogenetic location: 15q21.2.
Variant type: single nucleotide variant.
Coding change: c.3103C>A on transcript NM_001378457.1 (MANE Select); coding-DNA position 3103, C replaced by A.
Protein change: p.Pro1035Thr; replaces proline 1035 with threonine.
Molecular consequence: missense variant. On other transcripts: non-coding transcript variant (2), intron variant (2).
Genome position (GRCh38, 1-based): chr15:51,500,121, G>T on the plus strand (C>A on the coding strand, the complement: DMXL2 is on the minus strand). VCF-style: chr15-51500121-G-T. GRCh37 (hg19) VCF-style: chr15-51792318-G-T.
Other names: c.3103C>A, p.Pro1035Thr (NM_001174116.3, NM_001378458.1, NM_001378459.1 and 4 more transcripts); c.2863C>A, p.Pro955Thr (NM_001378464.1); c.2764+7013C>A (NM_001378460.1); c.2765-4987C>A (NM_001174117.3); short protein forms P1035T, P955T.
Identifiers: ClinVar variation 1476872 (VCV001476872.8), dbSNP rs1230775234, ClinGen allele CA392437689.
Genomic context (GRCh38, chr15:51,500,121, plus strand): 5'-TCATCAAAGGCCATCTCTTCCAATGATAAATTTCTTTCTCATCACTTTTATTACACTCTG[G>T]GTTGGCTTCCATACAACATTTCCAGAAGCGTACTTTATTGTCAGAACAAGTTGTAACCAC-3'
Protein context (NP_001365386.1, residues 1025-1045): RFWKCCMEAN[Pro1035Thr]ECNKSDEKEI